The following is an entry in ClinVar:

ClinVar aggregate classification (germline): Uncertain significance. Review status: criteria provided, multiple submitters, no conflicts (2 of 4 stars). 3 submissions from 3 submitters: Uncertain significance (3). Last evaluated 2026-08-01.

Conditions:
Hypomagnesemia, seizures, and impaired intellectual development 1. Also called: Hypomagnesemia, seizures, and intellectual disability 1. Identifiers: Orphanet 34527, MedGen C4225333, MONDO:0020787, OMIM 616418.
Renal hypomagnesemia 6. Identifiers: Orphanet 34527, MedGen C3151295, MONDO:0013480, OMIM 613882.

Allele frequency attached by ClinVar (database versions not stated): TOPMed 0.00002; gnomAD exomes 0.00005 and 0.00001; ExAC 0.00005.
gnomAD v4.1: 12 of 1,612,008 alleles (0.00074%); highest among the groups gnomAD compares: Admixed American, 0.02%; no homozygotes.

Submissions (3):

CeGaT Center for Human Genetics Tuebingen
Classification: Uncertain significance. Last evaluated: 2026-08-01. Review status: criteria provided, single submitter. Criteria: CeGaT Center For Human Genetics Tuebingen Variant Classification Criteria Version 2. Collection method: clinical testing. Allele origin: germline. Affected: yes. Observed: 1 variant allele.
Comment: CNNM2: PM2

Fulgent Genetics
Classification: Uncertain significance for Renal hypomagnesemia 6; Hypomagnesemia, seizures, and impaired intellectual development 1. Last evaluated: 2024-01-06. Review status: criteria provided, single submitter. Criteria: ACMG Guidelines, 2015. Collection method: clinical testing. Allele origin: germline.

Labcorp Genetics (formerly Invitae), Labcorp
Classification: Uncertain significance. Last evaluated: 2023-08-04. Review status: criteria provided, single submitter. Criteria: Invitae Variant Classification Sherloc (09022015). Collection method: clinical testing. Allele origin: germline.
Comment: ClinVar contains an entry for this variant (Variation ID: 1473335). This variant is present in population databases (rs751586358, gnomAD 0.03%). This variant has not been reported in the literature in individuals affected with CNNM2-related conditions. An algorithm developed to predict the effect of missense changes on protein structure and function (PolyPhen-2) suggests that this variant is likely to be disruptive. In summary, the available evidence is currently insufficient to determine the role of this variant in disease. Therefore, it has been classified as a Variant of Uncertain Significance. This sequence change replaces isoleucine, which is neutral and non-polar, with methionine, which is neutral and non-polar, at codon 875 of the CNNM2 protein (p.Ile875Met).

NM_017649.5(CNNM2):c.2625C>G (p.Ile875Met)

Gene: CNNM2 (cyclin and CBS domain divalent metal cation transport mediator 2; plus strand). Cytogenetic location: 10q24.32.
Variant type: single nucleotide variant.
Coding change: c.2625C>G on transcript NM_017649.5 (MANE Select); coding-DNA position 2625, C replaced by G.
Protein change: p.Ile875Met; replaces isoleucine 875 with methionine.
Molecular consequence: missense variant.
Genome position (GRCh38, 1-based): chr10:103,077,177, C>G. VCF-style: chr10-103077177-C-G. GRCh37 (hg19) VCF-style: chr10-104836934-C-G.
Other names: c.2559C>G, p.Ile853Met (NM_199076.3); short protein forms I853M, I875M.
Identifiers: ClinVar variation 1473335 (VCV001473335.8), dbSNP rs751586358, ClinGen allele CA5670660.